The following is an entry in ClinVar:

NM_004281.4(BAG3):c.925C>T (p.Arg309Ter)

Gene: BAG3 (BAG cochaperone 3; plus strand). Cytogenetic location: 10q26.11.
Variant type: single nucleotide variant.
Coding change: c.925C>T on transcript NM_004281.4 (MANE Select); coding-DNA position 925, C replaced by T.
Protein change: p.Arg309Ter; replaces arginine 309 with a stop codon.
Molecular consequence: nonsense.
Genome position (GRCh38, 1-based): chr10:119,676,479, C>T. VCF-style: chr10-119676479-C-T. GRCh37 (hg19) VCF-style: chr10-121435991-C-T.
Other names: short protein forms R309*.
Identifiers: ClinVar variation 228322 (VCV000228322.27), dbSNP rs869248137, ClinGen allele CA10576779.

ClinVar aggregate classification (germline): Pathogenic. Review status: criteria provided, multiple submitters, no conflicts (2 of 4 stars). 12 submissions from 12 submitters: Pathogenic (11). 1 of the submissions does not count toward it. Last evaluated 2026-05-19.

Conditions:
Myofibrillar myopathy 6. Identifiers: Orphanet 199340, MedGen C2751831, MONDO:0013061, OMIM 612954.
Dilated cardiomyopathy 1HH (CMD1HH). Identifiers: Orphanet 154, MedGen C3151293, MONDO:0013479, OMIM 613881.
Cardiovascular phenotype. Identifiers: MedGen CN230736.
Primary familial dilated cardiomyopathy (FDC). Also called: Hypokinetic dilated cardiomyopathy, familial; Familial dilated cardiomyopathy. Identifiers: Orphanet 217607, MedGen C0340427, MONDO:0016333.
Primary dilated cardiomyopathy (DCM). Also called: Dilated Cardiomyopathy. Identifiers: Orphanet 217604, MedGen C0007193, MeSH D002311, MONDO:0005021, HP:0001644. Inheritance: Various modes of inheritance.
BAG3-related disorder. Also called: BAG3-related condition.
Myocarditis. Identifiers: MedGen C0027059, MONDO:0004496, HP:0012819.

gnomAD v4.1: 6 of 1,614,028 alleles (0.00037%); highest among the groups gnomAD compares: South Asian, 0.0011%; no homozygotes.

Submissions (12):

Women's Health and Genetics/Laboratory Corporation of America, LabCorp
Classification: Pathogenic for Primary familial dilated cardiomyopathy. Last evaluated: 2026-05-19. Review status: criteria provided, single submitter. Criteria: LabCorp Variant Classification Summary - May 2015. Collection method: clinical testing. Allele origin: germline.
Comment: Variant summary: BAG3 c.925C>T (p.Arg309X) results in a premature termination codon, predicted to cause a truncation of the encoded protein or absence of the protein due to nonsense mediated decay, which are commonly known mechanisms for disease. Loss-of-function variants in this gene are known to be pathogenic. The variant was absent in 251442 control chromosomes. c.925C>T has been observed in multiple individuals affected with Dilated Cardiomyopathy (Villard_2011, Chami_2014). These data indicate that the variant is very likely to be associated with disease. To our knowledge, no experimental evidence demonstrating an impact on protein function has been reported. The following publications have been ascertained in the context of this evaluation (PMID: 25448463, 31514951, 21459883). ClinVar contains an entry for this variant (Variation ID: 228322). Based on the evidence outlined above, the variant was classified as pathogenic.

Labcorp Genetics (formerly Invitae), Labcorp
Classification: Pathogenic for Dilated cardiomyopathy 1HH; Myofibrillar myopathy 6. Last evaluated: 2025-10-10. Review status: criteria provided, single submitter. Criteria: Invitae Variant Classification Sherloc (09022015). Collection method: clinical testing. Allele origin: germline.
Comment: This sequence change creates a premature translational stop signal (p.Arg309*) in the BAG3 gene. While this is not anticipated to result in nonsense mediated decay, it is expected to disrupt the last 267 amino acid(s) of the BAG3 protein. This variant is not present in population databases (gnomAD no frequency). This premature translational stop signal has been observed in individual(s) with dilated cardiomyopathy (PMID: 25448463). It has also been observed to segregate with disease in related individuals. ClinVar contains an entry for this variant (Variation ID: 228322). For these reasons, this variant has been classified as Pathogenic.

Bioscientia Institut fuer Medizinische Diagnostik GmbH, Sonic Healthcare
Classification: Pathogenic for Dilated cardiomyopathy 1HH. Last evaluated: 2025-01-30. Review status: criteria provided, single submitter. Criteria: ACMG Guidelines, 2015. Collection method: clinical testing. Allele origin: germline. Affected: yes.
Comment: ACMG-criteria: PVS1, PS1B, PM2, PP5

Blueprint Genetics
Classification: Pathogenic for BAG3-related disorders. Last evaluated: 2024-11-08. Review status: criteria provided, single submitter. Criteria: ACMG Guidelines, 2015. Collection method: clinical testing. Allele origin: germline. Affected: yes. Observed: 5 variant alleles.

Molecular Diagnostic Laboratory for Inherited Cardiovascular Disease, Montreal Heart Institute
Classification: Pathogenic for Cardiovascular phenotype. Last evaluated: 2024-07-12. Review status: criteria provided, single submitter. Criteria: ACMG Guidelines, 2015. Collection method: clinical testing. Allele origin: germline. Affected: yes.
Comment: PVS1;PS4_mod;PM2;PP1_strong

Ambry Genetics
Classification: Pathogenic for Cardiovascular phenotype. Last evaluated: 2022-08-15. Review status: criteria provided, single submitter. Criteria: Ambry Variant Classification Scheme 2023. Collection method: clinical testing. Allele origin: germline.
Comment: The p.R309* pathogenic mutation (also known as c.925C>T), located in coding exon 4 of the BAG3 gene, results from a C to T substitution at nucleotide position 925. This changes the amino acid from an arginine to a stop codon within coding exon 4. This alteration occurs at the 3' terminus of theBAG3 gene, is not expected to trigger nonsense-mediated mRNA decay, and impacts the last 46% of the protein. However, premature stop codons are typically deleterious in nature and the impacted region is critical for protein function (Ambry internal data). In one study, this alteration segregated with disease in three families with dilated cardiomyopathy (DCM) and in another study, it was detected in one individual with DCM (Chami N et al. Can J Cardiol, 2014 Dec;30:1655-61; Villard E et al. Eur. Heart J., 2011 May;32:1065-76). This variant is considered to be rare based on population cohorts in the Genome Aggregation Database (gnomAD). Based on the supporting evidence, this alteration is interpreted as a disease-causing mutation.

GeneDx
Classification: Pathogenic. Last evaluated: 2021-09-08. Review status: criteria provided, single submitter. Criteria: GeneDx Variant Classification Process June 2021. Collection method: clinical testing. Allele origin: germline. Affected: yes.
Comment: Reported in association with dilated cardiomyopathy (Villard et al., 2011; Chami et al., 2014; Dominguez et al., 2018; Augusto et al., 2019; Gigli et al., 2019; Seidel et al., 2021); Not observed at significant frequency in large population cohorts (Lek et al., 2016); Nonsense variant in the C-terminus predicted to result in protein truncation, as the last 267 amino acids are lost, and other loss-of-function variants have been reported downstream in the Human Gene Mutation Database (Stenson et al., 2014); Reported in ClinVar as a pathogenic variant (ClinVar Variant ID# 228322; Landrum et al., 2016); This variant is associated with the following publications: (PMID: 30442290, 31514951, 21459883, 25448463, 34213952, 31317183, 20001957, 28211974)

Revvity Omics, Revvity
Classification: Pathogenic. Last evaluated: 2021-04-23. Review status: criteria provided, single submitter. Criteria: ACMG Guidelines, 2015. Collection method: clinical testing. Allele origin: germline.

Fulgent Genetics
Classification: Pathogenic for Myofibrillar myopathy 6; Dilated cardiomyopathy 1HH. Last evaluated: 2018-10-31. Review status: criteria provided, single submitter. Criteria: ACMG Guidelines, 2015. Collection method: clinical testing. Allele origin: unknown.

Laboratory for Molecular Medicine, Mass General Brigham Personalized Medicine
Classification: Pathogenic for Primary dilated cardiomyopathy. Last evaluated: 2015-09-24. Review status: criteria provided, single submitter. Criteria: LMM Criteria. Collection method: clinical testing. Allele origin: germline. Inheritance: Autosomal dominant inheritance. Observed: 2 variant alleles.
Comment: The p.Arg309X variant in BAG3 has been previously reported in 5 individuals with DCM (Villard 2011, Chami 2014, LMM unpublished data) and segregated with the di sease in greater than 15 affected family members (Chami 2014). It was absent fro m large population studies. This nonsense variant leads to a premature terminati on codon at position 309. Based on its position (last exon), it is predicted to result in a truncated protein rather than case loss of function. In summary, th is variant meets our criteria to be classified as pathogenic for DCM in an autos omal dominant manner based up on segregation studies and absence from controls.

Klaassen Lab, Charite University Medicine Berlin
Classification: Pathogenic for Myocarditis; Primary dilated cardiomyopathy. Review status: criteria provided, single submitter. Criteria: ACMG Guidelines, 2015. Collection method: research. Allele origin: germline. Affected: yes.

PreventionGenetics, part of Exact Sciences
Classification: Pathogenic for BAG3-related condition. Last evaluated: 2024-08-05. Review status: no assertion criteria provided. Collection method: clinical testing. Allele origin: germline. Not counted in ClinVar's aggregate classification.
Comment: The BAG3 c.925C>T variant is predicted to result in premature protein termination (p.Arg309*). This variant has been reported in numerous individuals with dilated cardiomyopathy and found to segregate with the disorder in multiple families (Villard et al. 2011. PubMed ID: 21459883; Chami et al. 2014. PubMed ID: 25448463; Online Table 1, Gigli et al. 2019. PubMed ID: 31514951; Seidel et al. 2021. PubMed ID: 34213952). This variant has not been reported in a large population database, indicating this variant is rare. This variant resides in the terminal exon and downstream loss-of-function variants are well documented to be causative for dilated cardiomyopathy (Villard et al. 2011. PubMed ID: 21459883; Dominguez et al. 2018. PubMed ID: 30442290). This variant is interpreted as pathogenic.

Literature cited by the submitters: PubMed 25448463 (cited by 4 submitters); PubMed 31514951 (cited by Women's Health and Genetics/Laboratory Corporation of America, LabCorp); PubMed 21459883 (cited by 3 submitters); PubMed 24558114 (cited by Laboratory for Molecular Medicine, Mass General Brigham Personalized Medicine); PubMed 25008357 (cited by Laboratory for Molecular Medicine, Mass General Brigham Personalized Medicine); PubMed 34213952 (cited by Klaassen Lab, Charite University Medicine Berlin).